The following is an entry in ClinVar:

NC_000009.12:g.(?_99137839)_(99138109_?)del

Gene: TGFBR1 (transforming growth factor beta receptor 1; plus strand). Cytogenetic location: 9q22.33.
Variant type: Deletion.
Identifiers: ClinVar variation 583676 (VCV000583676.6).

ClinVar aggregate classification (germline): Likely pathogenic (1 of 4 stars; one submission).

Conditions:
Familial thoracic aortic aneurysm and aortic dissection (TAAD). Also called: Thoracic aortic aneurysms and dissections. Identifiers: Orphanet 91387, MedGen C4707243, MONDO:0019625.

Submission:

Labcorp Genetics (formerly Invitae), Labcorp
Classification: Likely pathogenic for Familial thoracic aortic aneurysm and aortic dissection. Last evaluated: 2018-08-21. Review status: criteria provided, single submitter. Criteria: Invitae Variant Classification Sherloc (09022015). Collection method: clinical testing. Allele origin: germline.
Comment: In summary, the currently available evidence indicates that the variant is pathogenic, but additional data are needed to prove that conclusively. Therefore, this variant has been classified as Likely Pathogenic. This variant has been observed to segregate with Loeys-Dietz syndrome in a family (Invitae). This variant is an in-frame deletion of the genomic region encompassing exon 4 of the TGFBR1 gene. It preserves the integrity of the reading frame.